The following is an entry in ClinVar:

NM_001184.4(ATR):c.5604C>G (p.Phe1868Leu)

Gene: ATR (ATR serine/threonine kinase; minus strand). Cytogenetic location: 3q23.
Variant type: single nucleotide variant.
Coding change: c.5604C>G on transcript NM_001184.4 (MANE Select); coding-DNA position 5604, C replaced by G.
Protein change: p.Phe1868Leu; replaces phenylalanine 1868 with leucine.
Molecular consequence: missense variant.
Genome position (GRCh38, 1-based): chr3:142,497,147, G>C on the plus strand (C>G on the coding strand, the complement: ATR is on the minus strand). VCF-style: chr3-142497147-G-C. GRCh37 (hg19) VCF-style: chr3-142215989-G-C.
Other names: c.5412C>G, p.Phe1804Leu (NM_001354579.2); short protein forms F1804L, F1868L.
Identifiers: ClinVar variation 3462902 (VCV003462902.1).
Genomic context (GRCh38, chr3:142,497,147, plus strand): 5'-TTCTAGTCGAGCTACCCAGTTTAGAGAATCTTCTTGAGAACTGTCACCTGGAGAATGCTG[G>C]AAAAGTGGTTTGATGCTATGCTCCAACTCACATAACATGTGCAATCTGAAGATAGATAGA-3'
Protein context (NP_001175.2, residues 1858-1878): CELEHSIKPL[Phe1868Leu]QHSPGDSSQE

ClinVar aggregate classification (germline): Uncertain significance (1 of 4 stars; one submission).

Conditions:
Inborn genetic diseases. Identifiers: MedGen C0950123, MeSH D030342.

Submission:

Ambry Genetics
Classification: Uncertain significance for Inborn genetic diseases. Last evaluated: 2024-10-01. Review status: criteria provided, single submitter. Criteria: Ambry Variant Classification Scheme 2023. Collection method: clinical testing. Allele origin: germline.
Comment: The p.F1868L variant (also known as c.5604C>G), located in coding exon 33 of the ATR gene, results from a C to G substitution at nucleotide position 5604. The phenylalanine at codon 1868 is replaced by leucine, an amino acid with highly similar properties. This amino acid position is conserved. In addition, this alteration is predicted to be tolerated by in silico analysis. Based on the available evidence, the clinical significance of this variant remains unclear.